The following is an entry in ClinVar:

NM_006736.6(DNAJB2):c.66-21_66-19del

Gene: DNAJB2 (DnaJ heat shock protein family (Hsp40) member B2; plus strand). Cytogenetic location: 2q35.
Variant type: Microsatellite.
Coding change: c.66-21_66-19del on transcript NM_006736.6 (MANE Select); 21 bases into the intron before coding-DNA position 66 through 19 bases into the intron before coding-DNA position 66, 3 bases deleted (CTC; older notation c.66-21_66-19delCTC).
Molecular consequence: intron variant.
Genome position (GRCh38, 1-based): chr2:219,280,557-219,280,559, CTC deleted; deleting any 3 consecutive bases within chr2:219,280,554-219,280,559 gives the same sequence; the c. name uses the placement nearest the transcript's 3' end. VCF-style (leftmost placement, unchanged base first): chr2-219280553-TCTC-T. GRCh37 (hg19) VCF-style: chr2-220145275-TCTC-T.
Other names: c.66-21_66-19del (NM_001039550.2); c.66-21_66-19delCTC (NM_001039550.1).
Identifiers: ClinVar variation 420985 (VCV000420985.1), dbSNP rs748320610, ClinGen allele CA2122818.
Genomic context (GRCh38, chr2:219,280,553, plus strand): 5'-AATGGGAAAACAGGTCGTTCGGTTCCTGGGTGGGAAGTGCCTGCATTTGTCCCCCGACTC[TCTC>T]CTCTGCACCCACTTTCTGCAGGTATCGGCGCAAGGCTCTCCAGTGGCACCCAGACAAAAA-3'

ClinVar aggregate classification (germline): Likely benign (1 of 4 stars; one submission).

Submission:

GeneDx
Classification: Likely benign. Last evaluated: 2016-05-02. Review status: criteria provided, single submitter. Criteria: GeneDx Variant Classification (06012015). Collection method: clinical testing. Allele origin: germline. Affected: yes.
Comment: This variant is considered likely benign or benign based on one or more of the following criteria: it is a conservative change, it occurs at a poorly conserved position in the protein, it is predicted to be benign by multiple in silico algorithms, and/or has population frequency not consistent with disease.